The following is an entry in ClinVar:

ClinVar aggregate classification (germline): Benign/Likely benign. Review status: criteria provided, multiple submitters, no conflicts (2 of 4 stars). 3 submissions from 3 submitters: Benign (1); Likely benign (2). Last evaluated 2024-06-17.

Conditions:
Hereditary cancer-predisposing syndrome. Also called: Neoplastic Syndromes, Hereditary; Hereditary neoplastic syndrome; Tumor predisposition; Hereditary Cancer Syndrome. Identifiers: Orphanet 140162, MedGen C0027672, MeSH D009386, MONDO:0015356.
Familial cancer of breast. Also called: hereditary breast carcinoma; Hereditary breast cancer; BREAST CANCER, FAMILIAL. Identifiers: Orphanet 227535, MedGen C0346153, MONDO:0016419, OMIM 114480. Disease mechanism: loss of function.
Ataxia-telangiectasia syndrome (AT). Also called: Ataxia telangiectasia (A-T); Cerebello-oculocutaneous telangiectasia; Immunodeficiency with ataxia telangiectasia; LOUIS-BAR SYNDROME; AT, COMPLEMENTATION GROUP C; ATAXIA-TELANGIECTASIA, FRESNO VARIANT. Identifiers: Orphanet 100, MedGen C0004135, MONDO:0008840, OMIM 208900.

Submissions (3):

Myriad Genetics, Inc.
Classification: Benign for Familial cancer of breast. Last evaluated: 2024-06-17. Review status: criteria provided, single submitter. Criteria: Myriad Autosomal Dominant, Autosomal Recessive and X-Linked Classification Criteria (2023). Collection method: clinical testing. Allele origin: unknown.
Comment: This variant is considered benign. This variant is a silent/synonymous amino acid change and it is not expected to impact splicing.

Labcorp Genetics (formerly Invitae), Labcorp
Classification: Likely benign for Ataxia-telangiectasia syndrome. Last evaluated: 2023-09-30. Review status: criteria provided, single submitter. Criteria: Invitae Variant Classification Sherloc (09022015). Collection method: clinical testing. Allele origin: germline.

Ambry Genetics
Classification: Likely benign for Hereditary cancer-predisposing syndrome. Last evaluated: 2015-09-23. Review status: criteria provided, single submitter. Criteria: Ambry Variant Classification Scheme 2023. Collection method: clinical testing. Allele origin: germline.

NM_000051.4(ATM):c.7842T>G (p.Pro2614=)

Genes: C11orf65 (chromosome 11 open reading frame 65; minus strand), ATM (ATM serine/threonine kinase; plus strand). Cytogenetic location: 11q22.3.
Variant type: single nucleotide variant.
Coding change: c.7842T>G on transcript NM_000051.4 (MANE Select); coding-DNA position 7842, T replaced by G.
Protein change: p.Pro2614=; no amino-acid change (proline 2614 retained).
Molecular consequence: synonymous variant. On other transcripts: intron variant (2).
Genome position (GRCh38, 1-based): chr11:108,332,815, T>G. VCF-style: chr11-108332815-T-G. GRCh37 (hg19) VCF-style: chr11-108203542-T-G.
Other names: c.7842T>G, p.Pro2614= (NM_001351834.2); c.641-23744A>C (NM_001330368.2); c.*38+2405A>C (NM_001351110.2).
Identifiers: ClinVar variation 234063 (VCV000234063.11), dbSNP rs876660827, ClinGen allele CA10579270.